The following is an entry in ClinVar:

NM_138694.4(PKHD1):c.6226G>A (p.Val2076Ile)

Gene: PKHD1 (PKHD1 ciliary IPT domain containing fibrocystin/polyductin; minus strand). Cytogenetic location: 6p12.2.
Variant type: single nucleotide variant.
Coding change: c.6226G>A on transcript NM_138694.4 (MANE Select); coding-DNA position 6226, G replaced by A.
Protein change: p.Val2076Ile; replaces valine 2076 with isoleucine.
Molecular consequence: missense variant.
Genome position (GRCh38, 1-based): chr6:51,912,472, C>T on the plus strand (G>A on the coding strand, the complement: PKHD1 is on the minus strand). VCF-style: chr6-51912472-C-T. GRCh37 (hg19) VCF-style: chr6-51777270-C-T.
Other names: c.6226G>A, p.Val2076Ile (NM_170724.3); short protein forms V2076I.
Identifiers: ClinVar variation 1714463 (VCV001714463.6), dbSNP rs2536681897, ClinGen allele CA364439698.

ClinVar aggregate classification (germline): Uncertain significance (1 of 4 stars; one submission).

Conditions:
Autosomal recessive polycystic kidney disease (ARPKD). Also called: AR polycystic kidney disease. Identifiers: Orphanet 731, Orphanet 8378, MedGen C0085548, MeSH D017044, MONDO:0009889.

Submission:

Labcorp Genetics (formerly Invitae), Labcorp
Classification: Uncertain significance for Autosomal recessive polycystic kidney disease. Last evaluated: 2025-06-12. Review status: criteria provided, single submitter. Criteria: Invitae Variant Classification Sherloc (09022015). Collection method: clinical testing. Allele origin: germline.
Comment: This sequence change replaces valine, which is neutral and non-polar, with isoleucine, which is neutral and non-polar, at codon 2076 of the PKHD1 protein (p.Val2076Ile). This variant is not present in population databases (gnomAD no frequency). This variant has not been reported in the literature in individuals affected with PKHD1-related conditions. ClinVar contains an entry for this variant (Variation ID: 1714463). Invitae Evidence Modeling of protein sequence and biophysical properties (such as structural, functional, and spatial information, amino acid conservation, physicochemical variation, residue mobility, and thermodynamic stability) indicates that this missense variant is not expected to disrupt PKHD1 protein function with a negative predictive value of 95%. In summary, the available evidence is currently insufficient to determine the role of this variant in disease. Therefore, it has been classified as a Variant of Uncertain Significance.